The following is an entry in ClinVar:

NM_004453.4(ETFDH):c.463A>G (p.Arg155Gly)

Gene: ETFDH (electron transfer flavoprotein dehydrogenase; plus strand). Cytogenetic location: 4q32.1.
Variant type: single nucleotide variant.
Coding change: c.463A>G on transcript NM_004453.4 (MANE Select); coding-DNA position 463, A replaced by G.
Protein change: p.Arg155Gly; replaces arginine 155 with glycine.
Molecular consequence: missense variant.
Genome position (GRCh38, 1-based): chr4:158,684,649, A>G. VCF-style: chr4-158684649-A-G. GRCh37 (hg19) VCF-style: chr4-159605801-A-G.
Other names: c.463A>G (NM_004453.3); c.322A>G, p.Arg108Gly (NM_001281737.2); c.280A>G, p.Arg94Gly (NM_001281738.1); short protein forms R155G, R108G, R94G.
Identifiers: ClinVar variation 427131 (VCV000427131.17), dbSNP rs549150456, ClinGen allele CA108850123.

ClinVar aggregate classification (germline): Pathogenic/Likely pathogenic. Review status: criteria provided, multiple submitters, no conflicts (2 of 4 stars). 7 submissions from 7 submitters: Pathogenic (1); Likely pathogenic (6). Last evaluated 2025-08-20.

Conditions:
Glutaric acidemia type 2C.
Multiple acyl-CoA dehydrogenase deficiency (MADD). Also called: Glutaric aciduria, type 2; Glutaric acidemia type II; GA 2; ETHYLMALONIC-ADIPICACIDURIA; GA II; Glutaric Acidemia type 2. Identifiers: Orphanet 26791, MedGen C0268596, MONDO:0009282, OMIM 231680.

Allele frequency attached by ClinVar (database versions not stated): 1000 Genomes Project below 0.00001; gnomAD exomes below 0.00001; 1000 Genomes Project 30x 0.00016; TOPMed 0.00001.
gnomAD v4.1: 2 of 1,572,948 alleles (0.00013%); highest among the groups gnomAD compares: Admixed American, 0.0017%; no homozygotes.

Submissions (7):

Natera, Inc.
Classification: Likely pathogenic for Glutaric acidemia type 2C. Last evaluated: 2025-08-20. Review status: criteria provided, single submitter. Criteria: Natera Variant Classification Schema (03/2026). Collection method: clinical testing. Allele origin: germline.
Comment: The c.463A>G variant in ETFDH is a missense variant predicted to cause substitution of arginine to glycine at amino acid 155. This variant is rare in the general population with a frequency below the threshold expected for the associated phenotype(s). This variant has been observed in one or more individuals affected with the associated recessive disease, as either homozygous or compound heterozygous with a second variant (PMID: 31418342, 31904027, 34064479). This variant has been identified in one or more affected individuals with a phenotype highly consistent with the associated gene (PMID: 34064479). Computational prediction algorithms indicate this variant is likely to affect gene or protein function. Given the available evidence, this variant is classified as Likely Pathogenic.

Dasa
Classification: Likely pathogenic. Last evaluated: 2025-08-12. Review status: criteria provided, single submitter. Criteria: DASA Assertion Criteria. Collection method: clinical testing. Allele origin: germline.
Comment: NM_004453.4(ETFDH):c.463A>G (p.Arg155Gly) is a missense variant that results in the substitution of arginine with glycine. This variant has been recurrently observed in individuals with ETFDH-related disorders (PMID: 31904027; PMID: 34064479). Also, this variant is rare in population databases. Computational evidence supports a deleterious effect. Based on the currently available evidence, this variant is classified as likely pathogenic.

Labcorp Genetics (formerly Invitae), Labcorp
Classification: Pathogenic for Multiple acyl-CoA dehydrogenase deficiency. Last evaluated: 2024-11-18. Review status: criteria provided, single submitter. Criteria: Invitae Variant Classification Sherloc (09022015). Collection method: clinical testing. Allele origin: germline.
Comment: This sequence change replaces arginine, which is basic and polar, with glycine, which is neutral and non-polar, at codon 155 of the ETFDH protein (p.Arg155Gly). This variant is present in population databases (rs549150456, gnomAD 0.003%). This missense change has been observed in individuals with multiple Acyl-CoA dehydrogenase deficiency (PMID: 31418342, 31904027; internal data). It has also been observed to segregate with disease in related individuals. ClinVar contains an entry for this variant (Variation ID: 427131). Invitae Evidence Modeling of protein sequence and biophysical properties (such as structural, functional, and spatial information, amino acid conservation, physicochemical variation, residue mobility, and thermodynamic stability) indicates that this missense variant is not expected to disrupt ETFDH protein function with a negative predictive value of 80%. For these reasons, this variant has been classified as Pathogenic.

Fulgent Genetics
Classification: Likely pathogenic for Multiple acyl-CoA dehydrogenase deficiency. Last evaluated: 2024-05-22. Review status: criteria provided, single submitter. Criteria: ACMG Guidelines, 2015. Collection method: clinical testing. Allele origin: germline.

Baylor Genetics
Classification: Likely pathogenic for Multiple acyl-CoA dehydrogenase deficiency. Last evaluated: 2024-02-05. Review status: criteria provided, single submitter. Criteria: ACMG Guidelines, 2015. Collection method: clinical testing. Allele origin: unknown.

GeneDx
Classification: Likely pathogenic. Last evaluated: 2021-10-27. Review status: criteria provided, single submitter. Criteria: GeneDx Variant Classification Process June 2021. Collection method: clinical testing. Allele origin: germline. Affected: yes.
Comment: Not observed at significant frequency in large population cohorts (Lek et al., 2016); In silico analysis supports that this missense variant has a deleterious effect on protein structure/function; This variant is associated with the following publications: (PMID: 31418342, 31589614, 34064479, 31904027)

Mendelics
Classification: Likely pathogenic for Multiple acyl-CoA dehydrogenase deficiency. Last evaluated: 2019-05-28. Review status: criteria provided, single submitter. Criteria: Mendelics Assertion Criteria 2017. Collection method: clinical testing. Allele origin: unknown.

Literature cited by the submitters: PubMed 31418342 (cited by 3 submitters); PubMed 31904027 (cited by 3 submitters); PubMed 34064479 (cited by Natera, Inc. and Dasa).